The following is an entry in ClinVar:

ClinVar aggregate classification (germline): Uncertain significance. Review status: criteria provided, multiple submitters, no conflicts (2 of 4 stars). 2 submissions from 2 submitters: Uncertain significance (2). Last evaluated 2024-05-27.

Conditions:
Wolcott-Rallison dysplasia. Also called: Wolcott-Rallison syndrome; MED-IDDM SYNDROME. Identifiers: Orphanet 1667, MedGen C0432217, MONDO:0009192, OMIM 226980.

Allele frequency attached by ClinVar (database versions not stated): gnomAD 0.00001; TOPMed 0.00004.

Submissions (2):

Fulgent Genetics
Classification: Uncertain significance for Wolcott-Rallison dysplasia. Last evaluated: 2024-05-27. Review status: criteria provided, single submitter. Criteria: ACMG Guidelines, 2015. Collection method: clinical testing. Allele origin: germline.

Labcorp Genetics (formerly Invitae), Labcorp
Classification: Uncertain significance. Last evaluated: 2022-05-13. Review status: criteria provided, single submitter. Criteria: Invitae Variant Classification Sherloc (09022015). Collection method: clinical testing. Allele origin: germline.
Comment: This sequence change replaces alanine, which is neutral and non-polar, with valine, which is neutral and non-polar, at codon 33 of the EIF2AK3 protein (p.Ala33Val). This variant is not present in population databases (gnomAD no frequency). This variant has not been reported in the literature in individuals affected with EIF2AK3-related conditions. Algorithms developed to predict the effect of missense changes on protein structure and function output the following: SIFT: "Tolerated"; PolyPhen-2: "Not Available"; Align-GVGD: "Class C0". The valine amino acid residue is found in multiple mammalian species, which suggests that this missense change does not adversely affect protein function. In summary, the available evidence is currently insufficient to determine the role of this variant in disease. Therefore, it has been classified as a Variant of Uncertain Significance.

NM_004836.7(EIF2AK3):c.98C>T (p.Ala33Val)

Gene: EIF2AK3 (eukaryotic translation initiation factor 2 alpha kinase 3; minus strand). Cytogenetic location: 2p11.2.
Variant type: single nucleotide variant.
Coding change: c.98C>T on transcript NM_004836.7 (MANE Select); coding-DNA position 98, C replaced by T.
Protein change: p.Ala33Val; replaces alanine 33 with valine.
Molecular consequence: missense variant.
Genome position (GRCh38, 1-based): chr2:88,627,177, G>A on the plus strand (C>T on the coding strand, the complement: EIF2AK3 is on the minus strand). VCF-style: chr2-88627177-G-A. GRCh37 (hg19) VCF-style: chr2-88926695-G-A.
Other names: short protein forms A33V.
Identifiers: ClinVar variation 1994183 (VCV001994183.2), dbSNP rs1373301967, ClinGen allele CA347763481.
Genomic context (GRCh38, chr2:88,627,177, plus strand): 5'-GGAGCAGCGGCCGCCCCGAGGCCGAACGCCGCCTCCGCCGTCGGCGCTGGGAGGCCACGG[G>A]CGCGCCCCGCGGCCACCGTCCTTGCCGCGAGCCCCAGCAGCAGCAGCAGCAGCAGCAGCG-3'
Protein context (NP_004827.4, residues 23-43): LAARTVAAGR[Ala33Val]RGLPAPTAEA